The following is an entry in ClinVar:

NM_000322.5(PRPH2):c.494G>T (p.Cys165Phe)

Gene: PRPH2 (peripherin 2; minus strand). Cytogenetic location: 6p21.1.
Variant type: single nucleotide variant.
Coding change: c.494G>T on transcript NM_000322.5 (MANE Select); coding-DNA position 494, G replaced by T.
Protein change: p.Cys165Phe; replaces cysteine 165 with phenylalanine.
Molecular consequence: missense variant.
Genome position (GRCh38, 1-based): chr6:42,721,841, C>A on the plus strand (G>T on the coding strand, the complement: PRPH2 is on the minus strand). VCF-style: chr6-42721841-C-A. GRCh37 (hg19) VCF-style: chr6-42689579-C-A.
Other names: short protein forms C165F.
Identifiers: ClinVar variation 973717 (VCV000973717.12), dbSNP rs61755788, ClinGen allele CA364137430.
Genomic context (GRCh38, chr6:42,721,841, plus strand): 5'-AGGTAGCGATTGCTGATCCACTGAATCTCAAACCAGTCCCGAAAACCGTTGTTGCCGCAG[C>A]ATTTGAACTCGATCTGCAGCATGTCGATGGTCTTCTTCATGAAACACCTGCCAGGGGTGT-3'
Protein context (NP_000313.2, residues 155-175): TIDMLQIEFK[Cys165Phe]CGNNGFRDWF

ClinVar aggregate classification (germline): Conflicting classifications of pathogenicity. Review status: criteria provided, conflicting classifications (1 of 4 stars). 4 submissions from 4 submitters: Pathogenic (1); Likely pathogenic (1); Uncertain significance (1). 1 of the submissions does not count toward it. Last evaluated 2022-10-17.

Conditions:
Retinitis pigmentosa (RP). Identifiers: Orphanet 791, MedGen C0035334, MeSH D012174, MONDO:0019200, OMIM 268000. Inheritance: Autosomal dominant, autosomal recessive and X linked inheritance.
PRPH2-related disorder. Also called: PRPH2-related condition; PRPH2-related disorders. Identifiers: MedGen CN239395.

Submissions (4):

Labcorp Genetics (formerly Invitae), Labcorp
Classification: Pathogenic for PRPH2-related disorder. Last evaluated: 2022-10-17. Review status: criteria provided, single submitter. Criteria: Invitae Variant Classification Sherloc (09022015). Collection method: clinical testing. Allele origin: germline.
Comment: For these reasons, this variant has been classified as Pathogenic. This variant disrupts the p.Cys165 amino acid residue in PRPH2. Other variant(s) that disrupt this residue have been determined to be pathogenic (PMID: 9673478, 10747861, 25447119). This suggests that this residue is clinically significant, and that variants that disrupt this residue are likely to be disease-causing. Advanced modeling of protein sequence and biophysical properties (such as structural, functional, and spatial information, amino acid conservation, physicochemical variation, residue mobility, and thermodynamic stability) performed at Invitae indicates that this missense variant is expected to disrupt PRPH2 protein function. ClinVar contains an entry for this variant (Variation ID: 973717). This missense change has been observed in individuals with clinical features of PRPH2-related conditions (PMID: 32531846; Invitae). This variant is not present in population databases (gnomAD no frequency). This sequence change replaces cysteine, which is neutral and slightly polar, with phenylalanine, which is neutral and non-polar, at codon 165 of the PRPH2 protein (p.Cys165Phe).

Blueprint Genetics
Classification: Likely pathogenic for PRPH2-related disorders. Last evaluated: 2021-08-19. Review status: criteria provided, single submitter. Criteria: ACMG Guidelines, 2015. Collection method: clinical testing. Allele origin: germline. Affected: yes. Observed: 2 variant alleles.

NEI Ophthalmic Genomics Laboratory, National Institutes of Health
Classification: Uncertain significance for Retinitis pigmentosa. Last evaluated: 2020-01-07. Review status: criteria provided, single submitter. Criteria: ACMG Guidelines, 2015. Collection method: clinical testing. Allele origin: germline. Affected: yes.
Comment: The variant NM_000322.4:c.494G>T in the PRPH2 gene has been previously studied(PMID Souied et al. (1995), & 9673478). This variant is listed in dbSNP and/or HGMD (CM951118). It is absent in gnomAD browser. It is not enriched in the PRPH2 disease cohort. We invoked ACMG criteria [PM1, PM2, PP3] and classified NM_000322.4:c.494G>T in the PRPH2 gene as a Variant of Uncertain Significance.

Leiden Open Variation Database
Classification: Likely pathogenic. Last evaluated: 2021-04-06. Review status: no assertion criteria provided. Collection method: curation. Allele origin: germline. Affected: yes. Not counted in ClinVar's aggregate classification.
Comment: Curator: Global Variome, with Curator vacancy. Submitter to LOVD: Manon Peeters.

Literature cited by the submitters: PubMed 9673478 (cited by Labcorp Genetics (formerly Invitae), Labcorp); PubMed 10747861 (cited by Labcorp Genetics (formerly Invitae), Labcorp); PubMed 25447119 (cited by Labcorp Genetics (formerly Invitae), Labcorp); PubMed 32531846 (cited by Labcorp Genetics (formerly Invitae), Labcorp and Leiden Open Variation Database).